The following is an entry in ClinVar:

ClinVar aggregate classification (germline): Uncertain significance (1 of 4 stars; one submission).

Conditions:
Congenital sideroblastic anemia-B-cell immunodeficiency-periodic fever-developmental delay syndrome. Also called: Sideroblastic anemia with B-cell immunodeficiency, periodic fevers, and developmental delay. Identifiers: Orphanet 369861, MedGen C4015172, MONDO:0014487, OMIM 616084.

Allele frequency attached by ClinVar (database versions not stated): TOPMed below 0.00001; gnomAD 0.00003; ExAC 0.00015.
gnomAD v4.1: 73 of 1,587,054 alleles (0.0046%); highest among the groups gnomAD compares: Non-Finnish European, 0.0026%; no homozygotes.

Submission:

Labcorp Genetics (formerly Invitae), Labcorp
Classification: Uncertain significance for Congenital sideroblastic anemia-B-cell immunodeficiency-periodic fever-developmental delay syndrome. Last evaluated: 2022-09-19. Review status: criteria provided, single submitter. Criteria: Invitae Variant Classification Sherloc (09022015). Collection method: clinical testing. Allele origin: germline.
Comment: This sequence change replaces phenylalanine, which is neutral and non-polar, with serine, which is neutral and polar, at codon 170 of the TRNT1 protein (p.Phe170Ser). This variant is present in population databases (rs768128194, gnomAD 0.04%). This variant has not been reported in the literature in individuals affected with TRNT1-related conditions. Advanced modeling of protein sequence and biophysical properties (such as structural, functional, and spatial information, amino acid conservation, physicochemical variation, residue mobility, and thermodynamic stability) performed at Invitae indicates that this missense variant is expected to disrupt TRNT1 protein function. In summary, the available evidence is currently insufficient to determine the role of this variant in disease. Therefore, it has been classified as a Variant of Uncertain Significance.

NM_182916.3(TRNT1):c.509T>C (p.Phe170Ser)

Gene: TRNT1 (tRNA nucleotidyl transferase 1; plus strand). Cytogenetic location: 3p26.2.
Variant type: single nucleotide variant.
Coding change: c.509T>C on transcript NM_182916.3 (MANE Select); coding-DNA position 509, T replaced by C.
Protein change: p.Phe170Ser; replaces phenylalanine 170 with serine.
Molecular consequence: missense variant. On other transcripts: non-coding transcript variant (8).
Genome position (GRCh38, 1-based): chr3:3,144,611, T>C. VCF-style: chr3-3144611-T-C. GRCh37 (hg19) VCF-style: chr3-3186295-T-C.
Other names: c.509T>C, p.Phe170Ser (NM_001302946.2, NM_001367321.1, NM_001367322.1 and 1 more transcripts); short protein forms F170S.
Identifiers: ClinVar variation 2194874 (VCV002194874.1), dbSNP rs768128194, ClinGen allele CA2228703.